The following is an entry in ClinVar:

ClinVar aggregate classification (germline): Uncertain significance (1 of 4 stars; one submission).

Allele frequency attached by ClinVar (database versions not stated): gnomAD exomes 0.00002 and 0.00008; TOPMed 0.00002; ExAC 0.00003.
gnomAD v4.1: 107 of 1,610,006 alleles (0.0066%); highest among the groups gnomAD compares: Non-Finnish European, 0.009%; no homozygotes.

Submission:

Labcorp Genetics (formerly Invitae), Labcorp
Classification: Uncertain significance. Last evaluated: 2022-09-12. Review status: criteria provided, single submitter. Criteria: Invitae Variant Classification Sherloc (09022015). Collection method: clinical testing. Allele origin: germline.
Comment: ClinVar contains an entry for this variant (Variation ID: 1470606). In summary, the available evidence is currently insufficient to determine the role of this variant in disease. Therefore, it has been classified as a Variant of Uncertain Significance. Algorithms developed to predict the effect of missense changes on protein structure and function are either unavailable or do not agree on the potential impact of this missense change (SIFT: "Deleterious"; PolyPhen-2: "Probably Damaging"; Align-GVGD: "Class C15"). This variant has not been reported in the literature in individuals affected with LAMC3-related conditions. This variant is present in population databases (rs202022335, gnomAD 0.004%). This sequence change replaces valine, which is neutral and non-polar, with methionine, which is neutral and non-polar, at codon 772 of the LAMC3 protein (p.Val772Met).

NM_006059.4(LAMC3):c.2314G>A (p.Val772Met)

Gene: LAMC3 (laminin subunit gamma 3; plus strand). Cytogenetic location: 9q34.12.
Variant type: single nucleotide variant.
Coding change: c.2314G>A on transcript NM_006059.4 (MANE Select); coding-DNA position 2314, G replaced by A.
Protein change: p.Val772Met; replaces valine 772 with methionine.
Molecular consequence: missense variant.
Genome position (GRCh38, 1-based): chr9:131,061,190, G>A. VCF-style: chr9-131061190-G-A. GRCh37 (hg19) VCF-style: chr9-133936577-G-A.
Other names: short protein forms V772M.
Identifiers: ClinVar variation 1470606 (VCV001470606.8), dbSNP rs202022335, ClinGen allele CA5287384.